The following is an entry in ClinVar:

ClinVar aggregate classification (germline): Uncertain significance (1 of 4 stars; one submission).

Conditions:
Hereditary cancer-predisposing syndrome. Also called: Tumor predisposition; Neoplastic Syndromes, Hereditary; Hereditary Cancer Syndrome; Hereditary neoplastic syndrome. Identifiers: Orphanet 140162, MedGen C0027672, MeSH D009386, MONDO:0015356.

Allele frequency attached by ClinVar (database versions not stated): gnomAD exomes below 0.00001.
gnomAD v4.1: 1 of 1,608,242 alleles (0.000062%); no homozygotes.

Submission:

Ambry Genetics
Classification: Uncertain significance for Hereditary cancer-predisposing syndrome. Last evaluated: 2023-04-21. Review status: criteria provided, single submitter. Criteria: Ambry Variant Classification Scheme 2023. Collection method: clinical testing. Allele origin: germline.
Comment: The p.D116Y variant (also known as c.346G>T), located in coding exon 2 of the CDKN2A gene, results from a G to T substitution at nucleotide position 346. The aspartic acid at codon 116 is replaced by tyrosine, an amino acid with highly dissimilar properties. This alteration has been observed in at least one individual with a personal and/or family history that is consistent with CDKN2A-related disease (Ambry internal data). A protein functional study showed this variant to have a deleterious impact on cell-cycle arrest (Miller PJ et al. Hum Mutat, 2011 Aug;32:900-11). This amino acid position is highly conserved in available vertebrate species. In addition, this alteration is predicted to be deleterious by in silico analysis. Since supporting evidence is limited at this time, the clinical significance of this alteration remains unclear.

Literature cited by the submitters: PubMed 21462282.

NM_000077.5(CDKN2A):c.346G>T (p.Asp116Tyr)

Gene: CDKN2A (cyclin dependent kinase inhibitor 2A; minus strand). Cytogenetic location: 9p21.3.
Variant type: single nucleotide variant.
Coding change: c.346G>T on transcript NM_000077.5; coding-DNA position 346, G replaced by T.
Protein change: p.Asp116Tyr; replaces aspartic acid 116 with tyrosine.
Molecular consequence: missense variant (on NM_000077.6). On other transcripts: 3 prime UTR variant (1).
Genome position (GRCh38, 1-based): chr9:21,971,013, C>A on the plus strand (G>T on the coding strand, the complement: CDKN2A is on the minus strand). VCF-style: chr9-21971013-C-A. GRCh37 (hg19) VCF-style: chr9-21971012-C-A.
Other names: c.346G>T, p.Asp116Tyr (NM_000077.6, NM_001195132.2); c.193G>T, p.Asp65Tyr (NM_001363763.2); c.389G>T, p.Gly130Val (NM_058195.4); c.*269G>T (NM_058197.5); short protein forms D65Y, D116Y, G130V.
Identifiers: ClinVar variation 2563909 (VCV002563909.2), dbSNP rs1477500164, ClinGen allele CA373086014.
Genomic context (GRCh38, chr9:21,971,013, plus strand): 5'-CCCCCGCAGCCGCGCGCAGGTACCGTGCGACATCGCGATGGCCCAGCTCCTCAGCCAGGT[C>A]CACGGGCAGACGGCCCCAGGCATCGCGCACGTCCAGCCGCGCCCCGGCCCGGTGCAGCAC-3'
Protein context (NP_000068.1, residues 106-126): VRDAWGRLPV[Asp116Tyr]LAEELGHRDV